The following is an entry in ClinVar:

NM_012144.4(DNAI1):c.378A>G (p.Glu126=)

Gene: DNAI1 (dynein axonemal intermediate chain 1; plus strand). Cytogenetic location: 9p13.3.
Variant type: single nucleotide variant.
Coding change: c.378A>G on transcript NM_012144.4 (MANE Select); coding-DNA position 378, A replaced by G.
Protein change: p.Glu126=; no amino-acid change (glutamic acid 126 retained).
Molecular consequence: synonymous variant.
Genome position (GRCh38, 1-based): chr9:34,489,439, A>G. VCF-style: chr9-34489439-A-G. GRCh37 (hg19) VCF-style: chr9-34489437-A-G.
Other names: c.378A>G, p.Glu126= (NM_001281428.2).
Identifiers: ClinVar variation 163162 (VCV000163162.27), dbSNP rs3818577, ClinGen allele CA175814.

ClinVar aggregate classification (germline): Benign/Likely benign. Review status: criteria provided, multiple submitters, no conflicts (2 of 4 stars). 9 submissions from 9 submitters: Benign (5); Likely benign (2). 2 of the submissions do not count toward it. Last evaluated 2026-02-04.

Conditions:
Primary ciliary dyskinesia. Also called: Ciliary dyskinesia. Identifiers: Orphanet 244, MedGen C0008780, MONDO:0016575, HP:0012265.
Kartagener syndrome (CILD1). Also called: Dextrocardia bronchiectasis and sinusitis; SIEWERT SYNDROME; POLYNESIAN BRONCHIECTASIS; CILIARY DYSKINESIA, PRIMARY, 1; CILIARY DYSKINESIA, PRIMARY, 1, WITH OR WITHOUT SITUS INVERSUS; IMMOTILE CILIA SYNDROME. Identifiers: Orphanet 244, MedGen C4551906, MONDO:0009484, OMIM 244400.

Allele frequency attached by ClinVar (database versions not stated): gnomAD exomes 0.01000 and 0.03252; ESP Exome Variant Server 0.01407; gnomAD 0.02063 and 0.02218; TOPMed 0.02848; ExAC 0.03040; 1000 Genomes Project 0.05012; 1000 Genomes Project 30x 0.05075.
gnomAD v4.1: 18,250 of 1,613,670 alleles (1.1%); highest among the groups gnomAD compares: East Asian, 11%; 758 homozygotes.

Submissions (9):

Labcorp Genetics (formerly Invitae), Labcorp
Classification: Benign for Primary ciliary dyskinesia. Last evaluated: 2026-02-04. Review status: criteria provided, single submitter. Criteria: Invitae Variant Classification Sherloc (09022015). Collection method: clinical testing. Allele origin: germline.

Blueprint Genetics
Classification: Likely benign. Last evaluated: 2024-11-27. Review status: criteria provided, single submitter. Criteria: ACMG Guidelines, 2015. Collection method: clinical testing. Allele origin: germline.

GeneDx
Classification: Benign. Last evaluated: 2018-11-12. Review status: criteria provided, single submitter. Criteria: GeneDx Variant Classification Process June 2021. Collection method: clinical testing. Allele origin: germline. Affected: yes.

Ambry Genetics
Classification: Benign for Primary ciliary dyskinesia. Last evaluated: 2014-06-19. Review status: criteria provided, single submitter. Criteria: Ambry Variant Classification Scheme 2023. Collection method: clinical testing. Allele origin: germline.

Laboratory for Molecular Medicine, Mass General Brigham Personalized Medicine
Classification: Benign. Last evaluated: 2013-02-21. Review status: criteria provided, single submitter. Criteria: LMM Criteria. Collection method: clinical testing. Allele origin: germline. Observed: 3 variant alleles.
Comment: Glu126Glu in exon 5 of DNAI1: This variant is not expected to have clinical sign ificance because it does not alter an amino acid residue and is not located with in the splice consensus sequence. It has been identified in 4.0% (175/4406) of A frican American chromosomes from a broad population by the NHLBI Exome Sequencin g Project (dbSNP rs3818577).

Breakthrough Genomics
Classification: Likely benign. Review status: criteria provided, single submitter. Criteria: ACMG Guidelines, 2015. Collection method: not provided. Allele origin: germline. Inheritance: Autosomal recessive inheritance. Affected: yes.

PreventionGenetics, part of Exact Sciences
Classification: Benign. Review status: criteria provided, single submitter. Criteria: ACMG Guidelines, 2015. Collection method: clinical testing. Allele origin: germline.

Natera, Inc.
Classification: Benign for Primary ciliary dyskinesia. Last evaluated: 2020-09-16. Review status: no assertion criteria provided. Collection method: clinical testing. Allele origin: germline. Not counted in ClinVar's aggregate classification.

Counsyl
Classification: Benign for Kartagener syndrome. Last evaluated: 2017-03-06. Review status: no assertion criteria provided. Collection method: clinical testing. Allele origin: unknown. Not counted in ClinVar's aggregate classification.